The following is an entry in ClinVar:

ClinVar aggregate classification (germline): Uncertain significance (0 of 4 stars; one submission).

Conditions:
GP1BA-related disorder. Also called: GP1BA-related condition.

gnomAD v4.1: 14 of 1,613,614 alleles (0.00087%); highest among the groups gnomAD compares: Non-Finnish European, 0.0011%; no homozygotes.

Submission:

PreventionGenetics, part of Exact Sciences
Classification: Uncertain significance for GP1BA-related condition. Last evaluated: 2024-07-31. Review status: no assertion criteria provided. Collection method: clinical testing. Allele origin: germline.
Comment: The GP1BA c.1607T>C variant is predicted to result in the amino acid substitution p.Leu536Ser. To our knowledge, this variant has not been reported in the literature or in a large population database, indicating this variant is rare. At this time, the clinical significance of this variant is uncertain due to the absence of conclusive functional and genetic evidence.

NM_000173.7(GP1BA):c.1607T>C (p.Leu536Ser)

Gene: GP1BA (glycoprotein Ib platelet subunit alpha; plus strand). Cytogenetic location: 17p13.2.
Variant type: single nucleotide variant.
Coding change: c.1607T>C on transcript NM_000173.7 (MANE Select); coding-DNA position 1607, T replaced by C.
Protein change: p.Leu536Ser; replaces leucine 536 with serine.
Molecular consequence: missense variant.
Genome position (GRCh38, 1-based): chr17:4,934,211, T>C. VCF-style: chr17-4934211-T-C. GRCh37 (hg19) VCF-style: chr17-4837506-T-C.
Other names: short protein forms L536S.
Identifiers: ClinVar variation 3354342 (VCV003354342.1).